The following is an entry in ClinVar:

ClinVar aggregate classification (germline): Uncertain significance. Review status: criteria provided, multiple submitters, no conflicts (2 of 4 stars). 2 submissions from 2 submitters: Uncertain significance (2). Last evaluated 2025-12-29.

Conditions:
Inborn genetic diseases. Identifiers: MedGen C0950123, MeSH D030342.

Allele frequency attached by ClinVar (database versions not stated): gnomAD exomes 0.00001.
gnomAD v4.1: 4 of 1,613,678 alleles (0.00025%); highest among the groups gnomAD compares: Non-Finnish European, 0.00025%; no homozygotes.

Submissions (2):

Labcorp Genetics (formerly Invitae), Labcorp
Classification: Uncertain significance. Last evaluated: 2025-12-29. Review status: criteria provided, single submitter. Criteria: Invitae Variant Classification Sherloc (09022015). Collection method: clinical testing. Allele origin: germline.
Comment: This sequence change replaces leucine, which is neutral and non-polar, with phenylalanine, which is neutral and non-polar, at codon 1152 of the SAMD9 protein (p.Leu1152Phe). This variant is not present in population databases (gnomAD no frequency). This variant has not been reported in the literature in individuals affected with SAMD9-related conditions. ClinVar contains an entry for this variant (Variation ID: 1359031). Invitae Evidence Modeling of protein sequence and biophysical properties (such as structural, functional, and spatial information, amino acid conservation, physicochemical variation, residue mobility, and thermodynamic stability) indicates that this missense variant is not expected to disrupt SAMD9 protein function with a negative predictive value of 95%. In summary, the available evidence is currently insufficient to determine the role of this variant in disease. Therefore, it has been classified as a Variant of Uncertain Significance.

Ambry Genetics
Classification: Uncertain significance for Inborn genetic diseases. Last evaluated: 2025-10-21. Review status: criteria provided, single submitter. Criteria: Ambry Variant Classification Scheme 2023. Collection method: clinical testing. Allele origin: germline.
Comment: The p.L1152F variant (also known as c.3454C>T), located in coding exon 1 of the SAMD9 gene, results from a C to T substitution at nucleotide position 3454. The leucine at codon 1152 is replaced by phenylalanine, an amino acid with highly similar properties. This amino acid position is conserved. In addition, this alteration is predicted to be tolerated by in silico analysis. Based on the available evidence, the clinical significance of this variant remains unclear.

NM_017654.4(SAMD9):c.3454C>T (p.Leu1152Phe)

Gene: SAMD9 (sterile alpha motif domain containing 9; minus strand). Cytogenetic location: 7q21.2.
Variant type: single nucleotide variant.
Coding change: c.3454C>T on transcript NM_017654.4 (MANE Select); coding-DNA position 3454, C replaced by T.
Protein change: p.Leu1152Phe; replaces leucine 1152 with phenylalanine.
Molecular consequence: missense variant.
Genome position (GRCh38, 1-based): chr7:93,102,644, G>A on the plus strand (C>T on the coding strand, the complement: SAMD9 is on the minus strand). VCF-style: chr7-93102644-G-A. GRCh37 (hg19) VCF-style: chr7-92731957-G-A.
Other names: c.3454C>T (NM_017654.3); c.3454C>T, p.Leu1152Phe (NM_001193307.2); short protein forms L1152F.
Identifiers: ClinVar variation 1359031 (VCV001359031.7), dbSNP rs1791553808, ClinGen allele CA368185010.